The following is an entry in ClinVar:

NM_001288705.3(CSF1R):c.792C>A (p.Asn264Lys)

Gene: CSF1R (colony stimulating factor 1 receptor; minus strand). Cytogenetic location: 5q32.
Variant type: single nucleotide variant.
Coding change: c.792C>A on transcript NM_001288705.3 (MANE Select); coding-DNA position 792, C replaced by A.
Protein change: p.Asn264Lys; replaces asparagine 264 with lysine.
Molecular consequence: missense variant. On other transcripts: non-coding transcript variant (2).
Genome position (GRCh38, 1-based): chr5:150,077,373, G>T on the plus strand (C>A on the coding strand, the complement: CSF1R is on the minus strand). VCF-style: chr5-150077373-G-T. GRCh37 (hg19) VCF-style: chr5-149456936-G-T.
Other names: c.792C>A, p.Asn264Lys (NM_001349736.2, NM_001375320.1, NM_005211.4); c.348C>A, p.Asn116Lys (NM_001375321.1); short protein forms N116K, N264K.
Identifiers: ClinVar variation 3635556 (VCV003635556.2).

ClinVar aggregate classification (germline): Uncertain significance (1 of 4 stars; one submission).

Submission:

Labcorp Genetics (formerly Invitae), Labcorp
Classification: Uncertain significance. Last evaluated: 2025-01-27. Review status: criteria provided, single submitter. Criteria: Invitae Variant Classification Sherloc (09022015). Collection method: clinical testing. Allele origin: germline.
Comment: This sequence change replaces asparagine, which is neutral and polar, with lysine, which is basic and polar, at codon 264 of the CSF1R protein (p.Asn264Lys). This variant is not present in population databases (gnomAD no frequency). This variant has not been reported in the literature in individuals affected with CSF1R-related conditions. Invitae Evidence Modeling of protein sequence and biophysical properties (such as structural, functional, and spatial information, amino acid conservation, physicochemical variation, residue mobility, and thermodynamic stability) indicates that this missense variant is not expected to disrupt CSF1R protein function with a negative predictive value of 95%. In summary, the available evidence is currently insufficient to determine the role of this variant in disease. Therefore, it has been classified as a Variant of Uncertain Significance.